The following is an entry in ClinVar:

ClinVar aggregate classification (germline): Uncertain significance (1 of 4 stars; one submission).

Conditions:
Developmental and epileptic encephalopathy, 54. Also called: Epileptic encephalopathy, early infantile, 54; HNRNPU-Related Neurodevelopmental Disorder. Identifiers: MedGen C4479319, MONDO:0033363, OMIM 617391.

Submission:

Dasa
Classification: Uncertain significance for Developmental and epileptic encephalopathy, 54. Last evaluated: 2025-08-29. Review status: criteria provided, single submitter. Criteria: DASA Assertion Criteria. Collection method: clinical testing. Allele origin: germline.
Comment: NM_031844.3(HNRNPU):c.2185G>C (p.Gly729Arg) is a missense variant that results in the substitution of glycine with arginine. This variant is absent from population databases. The currently available literature and clinical evidence are not sufficient to establish a definitive association between this variant and the reported condition. Therefore, this variant is classified as a variant of uncertain significance.

NM_031844.3(HNRNPU):c.2185G>C (p.Gly729Arg)

Gene: HNRNPU (heterogeneous nuclear ribonucleoprotein U; minus strand). Cytogenetic location: 1q44.
Variant type: single nucleotide variant.
Coding change: c.2185G>C on transcript NM_031844.3 (MANE Select); coding-DNA position 2185, G replaced by C.
Protein change: p.Gly729Arg; replaces glycine 729 with arginine.
Molecular consequence: missense variant.
Genome position (GRCh38, 1-based): chr1:244,855,591, C>G on the plus strand (G>C on the coding strand, the complement: HNRNPU is on the minus strand). VCF-style: chr1-244855591-C-G. GRCh37 (hg19) VCF-style: chr1-245018893-C-G.
Other names: c.2128G>C, p.Gly710Arg (NM_004501.3); short protein forms G710R, G729R.
Identifiers: ClinVar variation 4881642 (VCV004881642.2).